The following is an entry in ClinVar:

NM_023110.3(FGFR1):c.1288T>C (p.Ser430Pro)

Gene: FGFR1 (fibroblast growth factor receptor 1; minus strand). Cytogenetic location: 8p11.23.
Variant type: single nucleotide variant.
Coding change: c.1288T>C on transcript NM_023110.3 (MANE Select); coding-DNA position 1288, T replaced by C.
Protein change: p.Ser430Pro; replaces serine 430 with proline.
Molecular consequence: missense variant.
Genome position (GRCh38, 1-based): chr8:38,418,370, A>G on the plus strand (T>C on the coding strand, the complement: FGFR1 is on the minus strand). VCF-style: chr8-38418370-A-G. GRCh37 (hg19) VCF-style: chr8-38275888-A-G.
Other names: c.1282T>C, p.Ser428Pro (NM_001174063.2, NM_001174065.2, NM_001354367.2 and 1 more transcripts); c.1258T>C, p.Ser420Pro (NM_001174064.2); c.1021T>C, p.Ser341Pro (NM_001174066.2, NM_023105.3); c.1381T>C, p.Ser461Pro (NM_001174067.2); c.1009T>C, p.Ser337Pro (NM_001354368.2); c.1276T>C, p.Ser426Pro (NM_001354369.2, NM_001410922.1); c.1015T>C, p.Ser339Pro (NM_001354370.2, NM_023106.3); short protein forms S426P, S461P, S339P, S341P, S337P, S420P, S428P, S430P.
Identifiers: ClinVar variation 4790439 (VCV004790439.1).

ClinVar aggregate classification (germline): Uncertain significance (1 of 4 stars; one submission).

Conditions:
Pfeiffer syndrome (ACS5). Also called: ACS V. Identifiers: Orphanet 710, MedGen C0220658, MONDO:0007043, OMIM 101600.
Hypogonadotropic hypogonadism 2 with or without anosmia (HH2). Also called: HYPOGONADOTROPIC HYPOGONADISM 2 WITH OR WITHOUT ANOSMIA, SUSCEPTIBILITY TO; HYPOGONADOTROPIC HYPOGONADISM 2 WITHOUT ANOSMIA, SUSCEPTIBILITY TO; HYPOGONADOTROPIC HYPOGONADISM 2 WITHOUT ANOSMIA; FGFR1-Related GnRH Deficiency (Kallmann Syndrome 2). Identifiers: Orphanet 478, MedGen C1563720, MONDO:0007844, OMIM 147950. Disease mechanism: loss of function.

Submission:

Labcorp Genetics (formerly Invitae), Labcorp
Classification: Uncertain significance for Pfeiffer syndrome; Hypogonadotropic hypogonadism 2 with or without anosmia. Last evaluated: 2025-04-18. Review status: criteria provided, single submitter. Criteria: Invitae Variant Classification Sherloc (09022015). Collection method: clinical testing. Allele origin: germline.
Comment: This sequence change replaces serine, which is neutral and polar, with proline, which is neutral and non-polar, at codon 430 of the FGFR1 protein (p.Ser430Pro). This variant is not present in population databases (gnomAD no frequency). This variant has not been reported in the literature in individuals affected with FGFR1-related conditions. Invitae Evidence Modeling of protein sequence and biophysical properties (such as structural, functional, and spatial information, amino acid conservation, physicochemical variation, residue mobility, and thermodynamic stability) indicates that this missense variant is not expected to disrupt FGFR1 protein function with a negative predictive value of 80%. In summary, the available evidence is currently insufficient to determine the role of this variant in disease. Therefore, it has been classified as a Variant of Uncertain Significance.